The following is an entry in ClinVar:

ClinVar aggregate classification (germline): Likely benign (1 of 4 stars; one submission).

Submission:

CeGaT Center for Human Genetics Tuebingen
Classification: Likely benign. Last evaluated: 2023-11-01. Review status: criteria provided, single submitter. Criteria: CeGaT Center For Human Genetics Tuebingen Variant Classification Criteria Version 2. Collection method: clinical testing. Allele origin: germline. Affected: yes. Observed: 2 variant alleles.
Comment: H2AC21: BP4, BP7

NM_175065.3(H2AC21):c.132C>G (p.Val44=)

Genes: H2AC21 (H2A clustered histone 21; minus strand), LOC129931379 (ATAC-STARR-seq lymphoblastoid active region 1662; plus strand). Cytogenetic location: 1q21.2.
Variant type: single nucleotide variant.
Coding change: c.132C>G on transcript NM_175065.3 (MANE Select); coding-DNA position 132, C replaced by G.
Protein change: p.Val44=; no amino-acid change (valine 44 retained).
Molecular consequence: synonymous variant.
Genome position (GRCh38, 1-based): chr1:149,887,785, G>C on the plus strand (C>G on the coding strand, the complement: H2AC21 is on the minus strand). VCF-style: chr1-149887785-G-C. GRCh37 (hg19) VCF-style: chr1-149859335-G-C.
Identifiers: ClinVar variation 2639150 (VCV002639150.24), dbSNP rs2092317446, ClinGen allele CA420891453.